The following is an entry in ClinVar:

ClinVar aggregate classification (germline): Uncertain significance. Review status: criteria provided, multiple submitters, no conflicts (2 of 4 stars). 4 submissions from 4 submitters: Uncertain significance (4). Last evaluated 2025-11-14.

Conditions:
Hereditary cancer-predisposing syndrome. Also called: Hereditary neoplastic syndrome; Neoplastic Syndromes, Hereditary; Tumor predisposition; Hereditary Cancer Syndrome. Identifiers: Orphanet 140162, MedGen C0027672, MeSH D009386, MONDO:0015356.
Hereditary nonpolyposis colorectal neoplasms. Identifiers: MedGen C0009405, MeSH D003123.

Allele frequency attached by ClinVar (database versions not stated): gnomAD below 0.00001 and 0.00001; gnomAD exomes 0.00002; ExAC 0.00003.
gnomAD v4.1: 23 of 1,611,782 alleles (0.0014%); highest among the groups gnomAD compares: South Asian, 0.013%; no homozygotes.

Submissions (4):

Labcorp Genetics (formerly Invitae), Labcorp
Classification: Uncertain significance for Hereditary nonpolyposis colorectal neoplasms. Last evaluated: 2025-11-14. Review status: criteria provided, single submitter. Criteria: Invitae Variant Classification Sherloc (09022015). Collection method: clinical testing. Allele origin: germline.
Comment: This sequence change replaces arginine, which is basic and polar, with glutamine, which is neutral and polar, at codon 134 of the PMS2 protein (p.Arg134Gln). This variant is present in population databases (rs771300829, gnomAD 0.02%). This variant has not been reported in the literature in individuals affected with PMS2-related conditions. ClinVar contains an entry for this variant (Variation ID: 423246). Invitae Evidence Modeling incorporating data from in vitro experimental studies (internal data) indicates that this missense variant is not expected to disrupt PMS2 function with a negative predictive value of 95%. In summary, the available evidence is currently insufficient to determine the role of this variant in disease. Therefore, it has been classified as a Variant of Uncertain Significance.

Ambry Genetics
Classification: Uncertain significance for Hereditary cancer-predisposing syndrome. Last evaluated: 2024-12-16. Review status: criteria provided, single submitter. Criteria: Ambry Variant Classification Scheme 2023. Collection method: clinical testing. Allele origin: germline.
Comment: The p.R134Q variant (also known as c.401G>A), located in coding exon 5 of the PMS2 gene, results from a G to A substitution at nucleotide position 401. The arginine at codon 134 is replaced by glutamine, an amino acid with highly similar properties. This amino acid position is well conserved in available vertebrate species. In addition, this alteration is predicted to be deleterious by in silico analysis. Based on the available evidence, the clinical significance of this variant remains unclear.

Color Diagnostics, LLC DBA Color Health
Classification: Uncertain significance for Hereditary cancer-predisposing syndrome. Last evaluated: 2023-09-18. Review status: criteria provided, single submitter. Criteria: ACMG Guidelines, 2015. Collection method: clinical testing. Allele origin: germline.
Comment: This missense variant replaces arginine with glutamine at codon 134 of the PMS2 protein. Computational prediction is inconclusive regarding the impact of this variant on protein structure and function (internally defined REVEL score threshold 0.5 < inconclusive < 0.7, PMID: 27666373). To our knowledge, functional studies have not been reported for this variant. This variant has not been reported in individuals affected with PMS2-related disorders in the literature. This variant has been identified in 6/251142 chromosomes in the general population by the Genome Aggregation Database (gnomAD). The available evidence is insufficient to determine the role of this variant in disease conclusively. Therefore, this variant is classified as a Variant of Uncertain Significance.

GeneDx
Classification: Uncertain significance. Last evaluated: 2017-02-03. Review status: criteria provided, single submitter. Criteria: GeneDx Variant Classification (06012015). Collection method: clinical testing. Allele origin: germline. Affected: yes.
Comment: This variant is denoted PMS2 c.401G>A at the cDNA level, p.Arg134Gln (R134Q) at the protein level, and results in the change of an Arginine to a Glutamine (CGA>CAA). This variant has not, to our knowledge, been published in the literature as pathogenic or benign. PMS2 Arg134Gln was not observed in approximately 6,500 individuals of European and African American ancestry in the NHLBI Exome Sequencing Project, suggesting it is not a common benign variant in these populations. Since Arginine and Glutamine differ in some properties, this is considered a semi-conservative amino acid substitution. PMS2 Arg134Gln occurs at a position where amino acids with properties similar to Arginine are tolerated across species and is located in the ATPase domain (Guarne 2001). In silico analyses are inconsistent regarding the effect this variant may have on protein structure and function. Based on currently available evidence, it is unclear whether PMS2 Arg134Gln is a pathogenic or benign variant. We consider it to be a variant of uncertain significance.

NM_000535.7(PMS2):c.401G>A (p.Arg134Gln)

Gene: PMS2 (PMS1 homolog 2, mismatch repair system component; minus strand). Cytogenetic location: 7p22.1.
Variant type: single nucleotide variant.
Coding change: c.401G>A on transcript NM_000535.7 (MANE Select); coding-DNA position 401, G replaced by A.
Protein change: p.Arg134Gln; replaces arginine 134 with glutamine.
Molecular consequence: missense variant. On other transcripts: 5 prime UTR variant (8), non-coding transcript variant (1).
Genome position (GRCh38, 1-based): chr7:6,002,589, C>T on the plus strand (G>A on the coding strand, the complement: PMS2 is on the minus strand). VCF-style: chr7-6002589-C-T. GRCh37 (hg19) VCF-style: chr7-6042220-C-T.
Other names: c.-5G>A (NM_001322003.2, NM_001322004.2, NM_001322005.2 and 3 more transcripts); c.401G>A, p.Arg134Gln (NM_001322006.2, NM_001322014.2); c.83G>A, p.Arg28Gln (NM_001322007.2, NM_001322008.2); c.-484G>A (NM_001322011.2, NM_001322012.2); c.92G>A, p.Arg31Gln (NM_001322015.2); short protein forms R134Q, R31Q, R28Q.
Identifiers: ClinVar variation 423246 (VCV000423246.18), dbSNP rs771300829, ClinGen allele CA049751.